The following is an entry in ClinVar:

ClinVar aggregate classification (germline): Uncertain significance (1 of 4 stars; one submission).

Conditions:
Febrile seizures, familial, 8 (FEB8). Also called: CONVULSIONS, FAMILIAL FEBRILE, 8. Identifiers: Orphanet 36387, MedGen C1969810, MONDO:0011891, OMIM 607681.
EPILEPSY, CHILDHOOD ABSENCE, SUSCEPTIBILITY TO, 2 (ECA2). Identifiers: Orphanet 64280, MedGen C1843244, OMIM 607681.

Submission:

Labcorp Genetics (formerly Invitae), Labcorp
Classification: Uncertain significance for Febrile seizures, familial, 8; EPILEPSY, CHILDHOOD ABSENCE, SUSCEPTIBILITY TO, 2. Last evaluated: 2024-07-27. Review status: criteria provided, single submitter. Criteria: Invitae Variant Classification Sherloc (09022015). Collection method: clinical testing. Allele origin: germline.
Comment: This sequence change replaces arginine, which is basic and polar, with glycine, which is neutral and non-polar, at codon 430 of the GABRG2 protein (p.Arg430Gly). This variant is not present in population databases (gnomAD no frequency). This variant has not been reported in the literature in individuals affected with GABRG2-related conditions. Advanced modeling of protein sequence and biophysical properties (such as structural, functional, and spatial information, amino acid conservation, physicochemical variation, residue mobility, and thermodynamic stability) has been performed at Invitae for this missense variant, however the output from this modeling did not meet the statistical confidence thresholds required to predict the impact of this variant on GABRG2 protein function. In summary, the available evidence is currently insufficient to determine the role of this variant in disease. Therefore, it has been classified as a Variant of Uncertain Significance.

NM_198904.4(GABRG2):c.1312A>G (p.Arg438Gly)

Gene: GABRG2 (gamma-aminobutyric acid type A receptor subunit gamma2; plus strand). Cytogenetic location: 5q34.
Variant type: single nucleotide variant.
Coding change: c.1312A>G on transcript NM_198904.4 (MANE Select); coding-DNA position 1312, A replaced by G.
Protein change: p.Arg438Gly; replaces arginine 438 with glycine.
Molecular consequence: missense variant. On other transcripts: 3 prime UTR variant (1).
Genome position (GRCh38, 1-based): chr5:162,153,252, A>G. VCF-style: chr5-162153252-A-G. GRCh37 (hg19) VCF-style: chr5-161580258-A-G.
Other names: c.1288A>G, p.Arg430Gly (NM_000816.3); c.1303A>G, p.Arg435Gly (NM_001375339.1); c.*146A>G (NM_001375340.1); c.1309A>G, p.Arg437Gly (NM_001375341.1); c.1285A>G, p.Arg429Gly (NM_001375342.1); c.1408A>G, p.Arg470Gly (NM_001375343.1); c.1351A>G, p.Arg451Gly (NM_001375344.1); c.1222A>G, p.Arg408Gly (NM_001375345.1); and 6 more; short protein forms R290G, R298G, R335G, R408G, R409G, R416G, R429G, R430G.
Identifiers: ClinVar variation 3753887 (VCV003753887.2).